The following is an entry in ClinVar:

ClinVar aggregate classification (germline): Likely pathogenic (1 of 4 stars; one submission).

Conditions:
Hypertrophic cardiomyopathy 1 (CMH1). Also called: Familial hypertrophic cardiomyopathy 1; MYH7-Related Familial Hypertrophic Cardiomyopathy. Identifiers: MedGen C3495498, MONDO:0008647, OMIM 192600.

Submission:

Victorian Clinical Genetics Services, Murdoch Childrens Research Institute
Classification: Likely pathogenic for Hypertrophic cardiomyopathy 1. Last evaluated: 2021-05-06. Review status: criteria provided, single submitter. Criteria: ACMG Guidelines, 2015. Collection method: clinical testing. Allele origin: germline. Inheritance: Autosomal dominant inheritance.
Comment: Based on the classification scheme VCGS_Germline_v1.3.4, this variant is classified as Likely Pathogenic. Following criteria are met: 0105 - The mechanism of disease for this gene is not clearly established however, missense variants have been proposed to act in a dominant negative manner (PMID: 24714796). (I) 0108 - This gene is associated with both recessive and dominant disease. Pathogenic variants in this gene are usually heterozygous however, a recessive inheritance pattern has been observed in severe cases (OMIM). (I) 0112 - The condition associated with this gene has incomplete penetrance. Hypertrophic cardiomyopathy is known to be an incompletely penetrant disease, although data specific to this gene is lacking (PMID: 29300372). (I) 0200 - Variant is predicted to result in a missense amino acid change from aspartic acid to asparagine. (I) 0251 - This variant is heterozygous. (I) 0301 - Variant is absent from gnomAD (both v2 and v3). (SP) 0501 - Missense variant consistently predicted to be damaging by multiple in silico tools or highly conserved with a major amino acid change. (SP) 0601 - Variant is located in the well-established functional myosin head domain (PMID: 29300372). (SP) 0704 - Another missense variant comparable to the one identified in this case has limited previous evidence for pathogenicity. The p.(Asp382Tyr) variant has been reported in two unrelated individuals with HCM (PMID: 20031618; 23396983) and also as a VUS (ClinVar). (SP) 0807 - This variant has no previous evidence of pathogenicity. (I) 0905 - No published segregation evidence has been identified for this variant. (I) 1007 - No published functional evidence has been identified for this variant. (SP) Legend: (SP) - Supporting pathogenic, (I) - Information, (SB) - Supporting benign

Literature cited by the submitters: PubMed 20031618; PubMed 23396983; PubMed 24714796; PubMed 29300372.

NM_000257.4(MYH7):c.1144G>A (p.Asp382Asn)

Gene: MYH7 (myosin heavy chain 7; minus strand). Cytogenetic location: 14q11.2.
Variant type: single nucleotide variant.
Coding change: c.1144G>A on transcript NM_000257.4 (MANE Select); coding-DNA position 1144, G replaced by A.
Protein change: p.Asp382Asn; replaces aspartic acid 382 with asparagine.
Molecular consequence: missense variant.
Genome position (GRCh38, 1-based): chr14:23,429,342, C>T on the plus strand (G>A on the coding strand, the complement: MYH7 is on the minus strand). VCF-style: chr14-23429342-C-T. GRCh37 (hg19) VCF-style: chr14-23898551-C-T.
Other names: c.1144G>A, p.Asp382Asn (NM_001407004.1); short protein forms D382N.
Identifiers: ClinVar variation 3376659 (VCV003376659.1).
Genomic context (GRCh38, chr14:23,429,342, plus strand): 5'-GGTGGCACAGCCCCTTGAGCAGGTCGGCTGAGTTCAGCCCCATGAGGTAGGCAGACTTGT[C>T]AGCCTCTGGAAGGAAAAGGCAAGTAGCAAAGTTGGTAAAGAGATGACTGCTGGCCAGGTG-3'
Protein context (NP_000248.2, residues 372-392): QAEPDGTEEA[Asp382Asn]KSAYLMGLNS